The following is an entry in ClinVar:

NM_006035.4(CDC42BPB):c.5087G>A (p.Arg1696Lys)

Gene: CDC42BPB (CDC42 binding protein kinase beta; minus strand). Cytogenetic location: 14q32.32.
Variant type: single nucleotide variant.
Coding change: c.5087G>A on transcript NM_006035.4 (MANE Select); coding-DNA position 5087, G replaced by A.
Protein change: p.Arg1696Lys; replaces arginine 1696 with lysine.
Molecular consequence: missense variant.
Genome position (GRCh38, 1-based): chr14:102,933,761, C>T on the plus strand (G>A on the coding strand, the complement: CDC42BPB is on the minus strand). VCF-style: chr14-102933761-C-T. GRCh37 (hg19) VCF-style: chr14-103400098-C-T.
Other names: c.5087G>A (NM_006035.3); c.5009G>A, p.Arg1670Lys (NM_001411054.1); short protein forms R1670K, R1696K.
Identifiers: ClinVar variation 2644586 (VCV002644586.24), dbSNP rs562551309, ClinGen allele CA7360167.

ClinVar aggregate classification (germline): Conflicting classifications of pathogenicity. Review status: criteria provided, conflicting classifications (1 of 4 stars). 2 submissions from 2 submitters: Uncertain significance (1); Likely benign (1). Last evaluated 2025-12-02.

Conditions:
Inborn genetic diseases. Identifiers: MedGen C0950123, MeSH D030342.

Allele frequency attached by ClinVar (database versions not stated): TOPMed 0.00001; gnomAD exomes 0.00003; gnomAD 0.00005; ExAC 0.00015.
gnomAD v4.1: 58 of 1,498,892 alleles (0.0039%); highest among the groups gnomAD compares: South Asian, 0.053%; 1 homozygote.

Submissions (2):

Ambry Genetics
Classification: Likely benign for Inborn genetic diseases. Last evaluated: 2025-12-02. Review status: criteria provided, single submitter. Criteria: Ambry Variant Classification Scheme 2023. Collection method: clinical testing. Allele origin: germline.

CeGaT Center for Human Genetics Tuebingen
Classification: Uncertain significance. Last evaluated: 2023-03-01. Review status: criteria provided, single submitter. Criteria: CeGaT Center For Human Genetics Tuebingen Variant Classification Criteria Version 2. Collection method: clinical testing. Allele origin: germline. Affected: yes. Observed: 1 variant allele.
Comment: CDC42BPB: PP2